The following is an entry in ClinVar:

ClinVar aggregate classification (germline): Uncertain significance. Review status: criteria provided, multiple submitters, no conflicts (2 of 4 stars). 2 submissions from 2 submitters: Uncertain significance (2). Last evaluated 2025-10-05.

Conditions:
Primary dilated cardiomyopathy (DCM). Also called: Dilated Cardiomyopathy. Identifiers: Orphanet 217604, MedGen C0007193, MeSH D002311, MONDO:0005021, HP:0001644. Inheritance: Various modes of inheritance.
Hypertrophic cardiomyopathy. Also called: HYPERTROPHIC MYOCARDIOPATHY. Identifiers: Orphanet 217569, MedGen C0007194, MeSH D002312, MONDO:0005045, HP:0001639.

Allele frequency attached by ClinVar (database versions not stated): gnomAD exomes below 0.00001; gnomAD 0.00003; TOPMed 0.00003.
gnomAD v4.1: 6 of 1,614,054 alleles (0.00037%); highest among the groups gnomAD compares: African/African-American, 0.008%; no homozygotes.

Submissions (2):

Ambry Genetics
Classification: Uncertain significance. Last evaluated: 2025-10-05. Review status: criteria provided, single submitter. Criteria: Ambry Variant Classification Scheme 2023. Collection method: clinical testing. Allele origin: germline.
Comment: The p.G162D variant (also known as c.485G>A), located in coding exon 5 of the PDLIM3 gene, results from a G to A substitution at nucleotide position 485. The glycine at codon 162 is replaced by aspartic acid, an amino acid with similar properties. This amino acid position is conserved. In addition, this alteration is predicted to be tolerated by in silico analysis. Since supporting evidence is limited at this time, the clinical significance of this alteration remains unclear.

Labcorp Genetics (formerly Invitae), Labcorp
Classification: Uncertain significance for Hypertrophic cardiomyopathy; Primary dilated cardiomyopathy. Last evaluated: 2024-10-04. Review status: criteria provided, single submitter. Criteria: Invitae Variant Classification Sherloc (09022015). Collection method: clinical testing. Allele origin: germline.
Comment: This sequence change replaces glycine, which is neutral and non-polar, with aspartic acid, which is acidic and polar, at codon 162 of the PDLIM3 protein (p.Gly162Asp). This variant is present in population databases (no rsID available, gnomAD 0.01%). This variant has not been reported in the literature in individuals affected with PDLIM3-related conditions. ClinVar contains an entry for this variant (Variation ID: 2561649). Invitae Evidence Modeling of protein sequence and biophysical properties (such as structural, functional, and spatial information, amino acid conservation, physicochemical variation, residue mobility, and thermodynamic stability) indicates that this missense variant is not expected to disrupt PDLIM3 protein function with a negative predictive value of 80%. In summary, the available evidence is currently insufficient to determine the role of this variant in disease. Therefore, it has been classified as a Variant of Uncertain Significance.

NM_014476.6(PDLIM3):c.485G>A (p.Gly162Asp)

Gene: PDLIM3 (PDZ and LIM domain 3; minus strand). Cytogenetic location: 4q35.1.
Variant type: single nucleotide variant.
Coding change: c.485G>A on transcript NM_014476.6 (MANE Select); coding-DNA position 485, G replaced by A.
Protein change: p.Gly162Asp; replaces glycine 162 with aspartic acid.
Molecular consequence: missense variant. On other transcripts: intron variant (3).
Genome position (GRCh38, 1-based): chr4:185,508,476, C>T on the plus strand (G>A on the coding strand, the complement: PDLIM3 is on the minus strand). VCF-style: chr4-185508476-C-T. GRCh37 (hg19) VCF-style: chr4-186429630-C-T.
Other names: c.162-1824G>A (NM_001257963.2); c.399-1824G>A (NM_001257962.2); c.519-1824G>A (NM_001114107.5); short protein forms G162D.
Identifiers: ClinVar variation 2561649 (VCV002561649.6), dbSNP rs1346987136, ClinGen allele CA358924298.